The following is an entry in ClinVar:

NM_002968.3(SALL1):c.3535-207G>A

Gene: SALL1 (spalt like transcription factor 1; minus strand). Cytogenetic location: 16q12.1.
Variant type: single nucleotide variant.
Coding change: c.3535-207G>A on transcript NM_002968.3 (MANE Select); 207 bases into the intron before coding-DNA position 3535, G replaced by A.
Molecular consequence: intron variant.
Genome position (GRCh38, 1-based): chr16:51,137,759, C>T on the plus strand (G>A on the coding strand, the complement: SALL1 is on the minus strand). VCF-style: chr16-51137759-C-T. GRCh37 (hg19) VCF-style: chr16-51171670-C-T.
Other names: c.3244-207G>A (NM_001127892.2).
Identifiers: ClinVar variation 667579 (VCV000667579.1), dbSNP rs1465338, ClinGen allele CA14327029.
Genomic context (GRCh38, chr16:51,137,759, plus strand): 5'-TGACAGACAGTGAAGGCAACAGGAACCATCCATTCCTCCTGTCTAGTAATAACGTGTTCA[C>T]TCTCTGCAGCCCTGGGCTGTCTCCCCTCTTCCAAGGCAAGGATGCCTTACTTACTCTTTT-3'

ClinVar aggregate classification (germline): Benign (1 of 4 stars; one submission).

Allele frequency attached by ClinVar (database versions not stated): TOPMed 0.50111; gnomAD 0.50410 and 0.51698; 1000 Genomes Project 30x 0.53029; 1000 Genomes Project 0.54193.

Submission:

GeneDx
Classification: Benign. Last evaluated: 2018-06-19. Review status: criteria provided, single submitter. Criteria: GeneDx Variant Classification (06012015). Collection method: clinical testing. Allele origin: germline. Affected: yes.
Comment: This variant is considered likely benign or benign based on one or more of the following criteria: it is a conservative change, it occurs at a poorly conserved position in the protein, it is predicted to be benign by multiple in silico algorithms, and/or has population frequency not consistent with disease.